The following is an entry in ClinVar:

ClinVar aggregate classification (germline): Uncertain significance (1 of 4 stars; one submission).

Conditions:
Duchenne muscular dystrophy (DMD). Also called: MUSCULAR DYSTROPHY, PSEUDOHYPERTROPHIC PROGRESSIVE, DUCHENNE TYPE; Duchenne Muscular Dystrophy (DMD). Identifiers: Orphanet 98896, MedGen C0013264, MONDO:0010679, OMIM 310200.

gnomAD v4.1: 10 of 1,209,298 alleles (0.00083%); highest among the groups gnomAD compares: Non-Finnish European, 0.0011%; no homozygotes.

Submission:

Labcorp Genetics (formerly Invitae), Labcorp
Classification: Uncertain significance for Duchenne muscular dystrophy. Last evaluated: 2024-06-05. Review status: criteria provided, single submitter. Criteria: Invitae Variant Classification Sherloc (09022015). Collection method: clinical testing. Allele origin: germline.
Comment: This sequence change replaces leucine, which is neutral and non-polar, with phenylalanine, which is neutral and non-polar, at codon 2812 of the DMD protein (p.Leu2812Phe). This variant is not present in population databases (gnomAD no frequency). This variant has not been reported in the literature in individuals affected with DMD-related conditions. Advanced modeling of protein sequence and biophysical properties (such as structural, functional, and spatial information, amino acid conservation, physicochemical variation, residue mobility, and thermodynamic stability) performed at Invitae indicates that this missense variant is not expected to disrupt DMD protein function with a negative predictive value of 95%. In summary, the available evidence is currently insufficient to determine the role of this variant in disease. Therefore, it has been classified as a Variant of Uncertain Significance.

NM_004006.3(DMD):c.8434C>T (p.Leu2812Phe)

Gene: DMD (dystrophin; minus strand). Cytogenetic location: Xp21.2.
Variant type: single nucleotide variant.
Coding change: c.8434C>T on transcript NM_004006.3 (MANE Select); coding-DNA position 8434, C replaced by T.
Protein change: p.Leu2812Phe; replaces leucine 2812 with phenylalanine.
Molecular consequence: missense variant.
Genome position (GRCh38, 1-based): chrX:31,496,901, G>A on the plus strand (C>T on the coding strand, the complement: DMD is on the minus strand). VCF-style: chrX-31496901-G-A. GRCh37 (hg19) VCF-style: chrX-31515018-G-A.
Other names: c.8410C>T, p.Leu2804Phe (NM_000109.4); c.8422C>T, p.Leu2808Phe (NM_004009.3); c.8065C>T, p.Leu2689Phe (NM_004010.3); c.4411C>T, p.Leu1471Phe (NM_004011.4); c.4402C>T, p.Leu1468Phe (NM_004012.4); c.1054C>T, p.Leu352Phe (NM_004013.3, NM_004020.4, NM_004021.3 and 2 more transcripts); c.247C>T, p.Leu83Phe (NM_004014.3); short protein forms L1468F, L1471F, L2689F, L2804F, L2808F, L2812F, L352F, L83F.
Identifiers: ClinVar variation 3624741 (VCV003624741.2).